The following is an entry in ClinVar:

ClinVar aggregate classification (germline): Uncertain significance (1 of 4 stars; one submission).

gnomAD v4.1: 1 of 1,614,062 alleles (0.000062%); highest among the groups gnomAD compares: Non-Finnish European, 0.000085%; no homozygotes.

Submission:

Women's Health and Genetics/Laboratory Corporation of America, LabCorp
Classification: Uncertain significance. Last evaluated: 2025-10-13. Review status: criteria provided, single submitter. Criteria: LabCorp Variant Classification Summary - May 2015. Collection method: clinical testing. Allele origin: germline.
Comment: Variant summary: CILK1 c.916G>A (p.Gly306Ser) results in a non-conservative amino acid change in the encoded protein sequence. Algorithms developed to predict the effect of missense changes on protein structure and function are either unavailable or do not agree on the potential impact of this missense change. The variant was absent in 282498 control chromosomes. The available data on variant occurrences in the general population are insufficient to allow any conclusion about variant significance. To our knowledge, no occurrence of c.916G>A in individuals affected with CILK1-related conditions and no experimental evidence demonstrating its impact on protein function have been reported. No submitters have cited clinical-significance assessments for this variant to ClinVar. Based on the evidence outlined above, the variant was classified as uncertain significance.

NM_014920.5(CILK1):c.916G>A (p.Gly306Ser)

Gene: CILK1 (ciliogenesis associated kinase 1; minus strand). Cytogenetic location: 6p12.1.
Variant type: single nucleotide variant.
Coding change: c.916G>A on transcript NM_014920.5 (MANE Select); coding-DNA position 916, G replaced by A.
Protein change: p.Gly306Ser; replaces glycine 306 with serine.
Molecular consequence: missense variant. On other transcripts: non-coding transcript variant (1).
Genome position (GRCh38, 1-based): chr6:53,013,898, C>T on the plus strand (G>A on the coding strand, the complement: CILK1 is on the minus strand). VCF-style: chr6-53013898-C-T. GRCh37 (hg19) VCF-style: chr6-52878696-C-T.
Other names: c.916G>A, p.Gly306Ser (NM_001375397.1, NM_001375398.1, NM_001375399.1 and 4 more transcripts); short protein forms G306S.
Identifiers: ClinVar variation 4687329 (VCV004687329.1).